The following is an entry in ClinVar:

ClinVar aggregate classification (germline): Pathogenic (1 of 4 stars; one submission).

Submission:

GeneDx
Classification: Pathogenic. Last evaluated: 2025-10-02. Review status: criteria provided, single submitter. Criteria: GeneDx Variant Classification Process June 2021. Collection method: clinical testing. Allele origin: germline. Affected: yes.
Comment: Canonical splice site variant predicted to result in a null allele in a gene for which loss of function is a known mechanism of disease; Not observed at significant frequency in large population cohorts (gnomAD); This variant is associated with the following publications: (PMID: 26853229, 20854095)

NM_203475.3(PORCN):c.136+2del

Gene: PORCN (porcupine O-acyltransferase; plus strand). Cytogenetic location: Xp11.23.
Variant type: Deletion.
Coding change: c.136+2del on transcript NM_203475.3 (MANE Select); the canonical splice donor site of the intron after coding-DNA position 136, one base deleted (T; older notation c.136+2delT).
Molecular consequence: splice donor variant.
Genome position (GRCh38, 1-based): chrX:48,509,958, T deleted. VCF-style (leftmost placement, unchanged base first): chrX-48509957-GT-G. GRCh37 (hg19) VCF-style: chrX-48368345-GT-G.
Other names: c.475+2del (NM_001441333.1, NM_001441334.1); c.399+2del (NM_001441336.1); c.241+2del (NM_001441335.1); c.-7+2del (NM_001282167.2); c.136+2del (NM_203473.3, NM_022825.4, NM_203474.1).
Identifiers: ClinVar variation 4819531 (VCV004819531.1).